The following is an entry in ClinVar:

NM_004714.3(DYRK1B):c.444C>G (p.Phe148Leu)

Gene: DYRK1B (dual specificity tyrosine phosphorylation regulated kinase 1B; minus strand). Cytogenetic location: 19q13.2.
Variant type: single nucleotide variant.
Coding change: c.444C>G on transcript NM_004714.3 (MANE Select); coding-DNA position 444, C replaced by G.
Protein change: p.Phe148Leu; replaces phenylalanine 148 with leucine.
Molecular consequence: missense variant.
Genome position (GRCh38, 1-based): chr19:39,829,956, G>C on the plus strand (C>G on the coding strand, the complement: DYRK1B is on the minus strand). VCF-style: chr19-39829956-G-C. GRCh37 (hg19) VCF-style: chr19-40320596-G-C.
Other names: c.444C>G, p.Phe148Leu (NM_006483.3, NM_006484.3); c.444C>G (NM_004714.2); short protein forms F148L.
Identifiers: ClinVar variation 2300751 (VCV002300751.3), dbSNP rs763767536, ClinGen allele CA405827929.

ClinVar aggregate classification (germline): Uncertain significance. Review status: criteria provided, single submitter (1 of 4 stars). 2 submissions from 2 submitters: Uncertain significance (1). 1 of the submissions does not count toward it. Last evaluated 2022-07-12.

Conditions:
DYRK1B-related disorder. Also called: DYRK1B-related condition.
Inborn genetic diseases. Identifiers: MedGen C0950123, MeSH D030342.

Submissions (2):

Ambry Genetics
Classification: Uncertain significance for Inborn genetic diseases. Last evaluated: 2022-07-12. Review status: criteria provided, single submitter. Criteria: Ambry Variant Classification Scheme 2023. Collection method: clinical testing. Allele origin: germline.

PreventionGenetics, part of Exact Sciences
Classification: Uncertain significance for DYRK1B-related condition. Last evaluated: 2024-09-13. Review status: no assertion criteria provided. Collection method: clinical testing. Allele origin: germline. Not counted in ClinVar's aggregate classification.
Comment: The DYRK1B c.444C>G variant is predicted to result in the amino acid substitution p.Phe148Leu. To our knowledge, this variant has not been reported in the literature. This variant is reported in 0.00088% of alleles in individuals of European (Non-Finnish) descent in gnomAD. At this time, the clinical significance of this variant is uncertain due to the absence of conclusive functional and genetic evidence.